The following is an entry in ClinVar:

NM_001080522.2(CC2D2A):c.3289delG

Genes: CC2D2A (coiled-coil and C2 domain containing 2A; plus strand), FBXL5 (F-box and leucine rich repeat protein 5; minus strand). Cytogenetic location: 4p15.32.
Variant type: Deletion.
Coding change: c.3289delG on transcript NM_001080522.2; coding-DNA position 3289, one base deleted (G).
Molecular consequence: splice acceptor variant.
Genome position (GRCh38, 1-based): chr4:15,567,677, G deleted; the last of 2 consecutive G bases (chr4:15,567,676-15,567,677); deleting either gives the same sequence. VCF-style (leftmost placement, unchanged base first): chr4-15567675-AG-A. GRCh37 (hg19) VCF-style: chr4-15569298-AG-A.
Other names: c.3289del (NM_001378615.1); c.3289-1del (NM_001080522.2).
Identifiers: ClinVar variation 56303 (VCV000056303.85), dbSNP rs386833751, ClinGen allele CA144224.

ClinVar aggregate classification (germline): Pathogenic. Review status: criteria provided, multiple submitters, no conflicts (2 of 4 stars). 26 submissions from 26 submitters: Pathogenic (19). 7 of the submissions do not count toward it. Last evaluated 2026-02-05.

Conditions:
COACH syndrome 2. Identifiers: MedGen C5436837, MONDO:0030859, OMIM 619111.
Retinitis pigmentosa 93. Identifiers: MedGen C5676970, MONDO:0030797, OMIM 619845.
Meckel syndrome, type 6. Identifiers: Orphanet 564, MedGen C2676790, MONDO:0012848, OMIM 612284.
Joubert syndrome 9 (JBTS9). Identifiers: Orphanet 2318, MedGen C2676788, MONDO:0012849, OMIM 612285.
Inborn genetic diseases. Identifiers: MedGen C0950123, MeSH D030342.
Autosomal recessive CC2D2A-related disorders.
CC2D2A-related disorder. Also called: CC2D2A-related disorders; CC2D2A-related condition. Identifiers: MedGen CN239313.
Meckel-Gruber syndrome. Also called: Dysencephalia splachnocystica; DYSENCEPHALIA SPLANCHNOCYSTICA; GRUBER SYNDROME. Identifiers: Orphanet 564, MedGen C0265215, MONDO:0018921.
Joubert syndrome. Also called: Familial aplasia of the vermis; JOUBERT-BOLTSHAUSER SYNDROME. Identifiers: Orphanet 475, MedGen C5979921, MONDO:0018772.

Submissions 1 to 12 of 26:

Clinical Genetics and Genomics, Karolinska University Hospital
Classification: Pathogenic for Joubert syndrome 9. Last evaluated: 2026-02-05. Review status: criteria provided, single submitter. Criteria: ACMG Guidelines, 2015. Collection method: clinical testing. Allele origin: germline. Inheritance: Autosomal recessive inheritance. Affected: yes.

Labcorp Genetics (formerly Invitae), Labcorp
Classification: Pathogenic for Joubert syndrome; Meckel-Gruber syndrome. Last evaluated: 2026-01-26. Review status: criteria provided, single submitter. Criteria: Invitae Variant Classification Sherloc (09022015). Collection method: clinical testing. Allele origin: germline.
Comment: This sequence change creates a premature translational stop signal (p.Val1097Phefs*2) in the CC2D2A gene. It is expected to result in an absent or disrupted protein product. Loss-of-function variants in CC2D2A are known to be pathogenic (PMID: 19777577). This variant is present in population databases (rs770470219, gnomAD 0.04%). This premature translational stop signal has been observed in individuals with Joubert syndrome and Meckel syndrome (PMID: 18950740, 19466712, 22241855). ClinVar contains an entry for this variant (Variation ID: 56303). Algorithms developed to predict the effect of sequence changes on RNA splicing suggest that this variant may disrupt the consensus splice site. For these reasons, this variant has been classified as Pathogenic.

Variantyx, Inc.
Classification: Pathogenic for Autosomal recessive CC2D2A-related disorders. Last evaluated: 2025-10-10. Review status: criteria provided, single submitter. Criteria: Variantyx Assertion Criteria 2022. Collection method: clinical testing. Allele origin: germline. Inheritance: Autosomal recessive inheritance. Affected: no.
Comment: This is a frameshift variant in the CC2D2A gene (OMIM: 612013). Pathogenic variants in this gene have been associated with autosomal recessive CC2D2A-related disorders. This variant introduces a premature termination codon in exon 27 out of 38 and is expected to result in loss of function, which is a known disease mechanism for CC2D2A in this disorder (PMID: 19777577) (PVS1). This variant has been reported in the homozygous or compound heterozygous state in several unrelated affected individuals (PMID: 18950740, 22241855) (PM3_Strong). It has a 0.0331% maximum allele frequency in non-founder control populations (PM2). Based on the current evidence, this variant is classified as pathogenic for autosomal recessive CC2D2A-related disorders.

Women's Health and Genetics/Laboratory Corporation of America, LabCorp
Classification: Pathogenic for Meckel syndrome, type 6. Last evaluated: 2025-03-19. Review status: criteria provided, single submitter. Criteria: LabCorp Variant Classification Summary - May 2015. Collection method: clinical testing. Allele origin: germline.
Comment: Variant summary: CC2D2A c.3289delG (p.Val1097PhefsX2) results in a premature termination codon, predicted to cause a truncation of the encoded protein or absence of the protein due to nonsense mediated decay, which are commonly known mechanisms for disease. The variant allele was found at a frequency of 0.00022 in 222132 control chromosomes. This frequency is not significantly higher than estimated for a pathogenic variant in CC2D2A causing Meckel Syndrome Type 6 (0.00022 vs 0.0011), allowing no conclusion about variant significance. c.3289delG has been reported in the literature in compound heterozygous individuals and heterozygous individuals with the second allele changes unidentified affected with Meckel Syndrome Type 6 (Tallila_2009, Gorden_2008). To our knowledge, no experimental evidence demonstrating an impact on protein function has been reported. The following publications have been ascertained in the context of this evaluation (PMID: 18950740, 19466712). ClinVar contains an entry for this variant (Variation ID: 56303). Based on the evidence outlined above, the variant was classified as pathogenic.

Laboratory of Genetics, Children's Clinical University Hospital Latvia
Classification: Pathogenic. Last evaluated: 2025-02-16. Review status: criteria provided, single submitter. Criteria: ACMG Guidelines, 2015. Collection method: clinical testing. Allele origin: germline. Affected: yes.

Blueprint Genetics
Classification: Pathogenic for CC2D2A-related disorders. Last evaluated: 2024-11-14. Review status: criteria provided, single submitter. Criteria: ACMG Guidelines, 2015. Collection method: clinical testing. Allele origin: germline. Affected: yes. Observed: 5 variant alleles.

Fulgent Genetics
Classification: Pathogenic for Meckel syndrome, type 6; Joubert syndrome 9; COACH syndrome 2; Retinitis pigmentosa 93. Last evaluated: 2024-04-05. Review status: criteria provided, single submitter. Criteria: ACMG Guidelines, 2015. Collection method: clinical testing. Allele origin: germline.

Johns Hopkins Genomics, Johns Hopkins University
Classification: Pathogenic for Joubert syndrome 9. Last evaluated: 2024-01-30. Review status: criteria provided, single submitter. Criteria: ACMG Guidelines, 2015. Collection method: clinical testing. Allele origin: germline.
Comment: This CC2D2A variant has been identified in multiple individuals with CC2D2A- related disorders and confirmed to occur in trans with another disease-causing variant in at least one of these individuals. c.3289del (rs1271887161) is rare (<0.1%) in a large population dataset (gnomAD v4.0.0: 420/1588188 total alleles; 0.03%; no homozygotes), and has been reported in ClinVar (Variation ID 56303). This frameshift variant results in a premature stop codon within exon 26 of 37, likely leading to nonsense-mediated decay and lack of protein production. We consider c.3289del in CC2D2A to be pathogenic for CC2D2A- related disorders.

Revvity Omics, Revvity
Classification: Pathogenic. Last evaluated: 2023-07-18. Review status: criteria provided, single submitter. Criteria: ACMG Guidelines, 2015. Collection method: clinical testing. Allele origin: germline.

GeneDx
Classification: Pathogenic. Last evaluated: 2022-07-27. Review status: criteria provided, single submitter. Criteria: GeneDx Variant Classification Process June 2021. Collection method: clinical testing. Allele origin: germline. Affected: yes.
Comment: Identified in a patient with COACH syndrome who harbored a second variant on the opposite allele and in two siblings with Joubert syndrome who did not have a second identifiable variant (Gorden et al., 2008; Bachmann-Gagescu et al., 2012); Reported in trans with another CC2D2A variant in a family with Meckel syndrome (Tallila et al., 2009); Frameshift variant predicted to result in protein truncation or nonsense mediated decay in a gene for which loss-of-function is a known mechanism of disease; This variant is associated with the following publications: (PMID: 18950740, 19466712, 19574260, 22241855, 26092869, 32488064, 33084218)

Victorian Clinical Genetics Services, Murdoch Childrens Research Institute
Classification: Pathogenic for Joubert syndrome 9. Last evaluated: 2022-06-24. Review status: criteria provided, single submitter. Criteria: ACMG Guidelines, 2015. Collection method: clinical testing. Allele origin: germline. Inheritance: Autosomal recessive inheritance. Affected: yes.
Comment: Based on the classification scheme VCGS_Germline_v1.3.4, this variant is classified as Pathogenic. Following criteria are met: 0102 - Loss of function is a known mechanism of disease in this gene and is associated with Joubert syndrome 9, (MIM#612285); Meckel syndrome 6 (MIM#612284) and COACH syndrome (MIM#216360). (I) 0106 - This gene is associated with autosomal recessive disease. (I) 0201 - Variant is predicted to cause nonsense-mediated decay (NMD) and loss of protein (premature termination codon is located at least 54 nucleotides upstream of the final exon-exon junction). (SP) 0251 - This variant is heterozygous. (I) 0304 - Variant is present in gnomAD <0.01 for a recessive condition (v2: 54 heterozygotes, 0 homozygotes). (SP) 0701 - Other NMD-predicted variants comparable to the one identified in this case have very strong previous evidence for pathogenicity (ClinVar, DECIPHER). (SP) 0801 - This variant has strong previous evidence of pathogenicity in unrelated individuals. It has been reported in at least 10 individuals, two of whom diagnosed with Joubert Syndrome (ClinVar; PMID: 28125082). (SP) 1102 - Strong phenotype match for this individual. (I) Legend: (SP) - Supporting pathogenic, (I) - Information, (SB) - Supporting benign

Ambry Genetics
Classification: Pathogenic for Inborn genetic diseases. Last evaluated: 2022-05-11. Review status: criteria provided, single submitter. Criteria: Ambry Variant Classification Scheme 2023. Collection method: clinical testing. Allele origin: germline.
Comment: The c.3289delG (p.V1097Ffs*2) alteration, located in exon 27 (coding exon 25) of the CC2D2A gene, consists of a deletion of one nucleotide at position 3289, causing a translational frameshift with a predicted alternate stop codon after 2 amino acids. This alteration is expected to result in loss of function by premature protein truncation or nonsense-mediated mRNA decay. This alteration has been seen along with another CC2D2A alteration in multiple individuals with clinical features of CC2D2A-related ciliopathy (Doherty, 2010; Bachmann-Gagescu, 2012; Bachmann-Gagescu, 2015; Vilboux, 2017). Based on the available evidence, this alteration is classified as pathogenic.